The following is an entry in ClinVar:

ClinVar aggregate classification (germline): Uncertain significance (1 of 4 stars; one submission).

Allele frequency attached by ClinVar (database versions not stated): gnomAD exomes below 0.00001.
gnomAD v4.1: 2 of 1,614,114 alleles (0.00012%); highest among the groups gnomAD compares: Non-Finnish European, 0.000085%; no homozygotes.

Submission:

CeGaT Center for Human Genetics Tuebingen
Classification: Uncertain significance. Last evaluated: 2023-03-01. Review status: criteria provided, single submitter. Criteria: CeGaT Center For Human Genetics Tuebingen Variant Classification Criteria Version 2. Collection method: clinical testing. Allele origin: germline. Affected: yes. Observed: 1 variant allele.
Comment: SETX: PM2, BP4

NM_015046.7(SETX):c.3724C>G (p.Pro1242Ala)

Gene: SETX (senataxin; minus strand). Cytogenetic location: 9q34.13.
Variant type: single nucleotide variant.
Coding change: c.3724C>G on transcript NM_015046.7 (MANE Select); coding-DNA position 3724, C replaced by G.
Protein change: p.Pro1242Ala; replaces proline 1242 with alanine.
Molecular consequence: missense variant.
Genome position (GRCh38, 1-based): chr9:132,327,874, G>C on the plus strand (C>G on the coding strand, the complement: SETX is on the minus strand). VCF-style: chr9-132327874-G-C. GRCh37 (hg19) VCF-style: chr9-135203261-G-C.
Other names: c.3724C>G, p.Pro1242Ala (NM_001351527.2, NM_001351528.2); short protein forms P1242A.
Identifiers: ClinVar variation 2659654 (VCV002659654.24), dbSNP rs2539104989, ClinGen allele CA375328511.